The following is an entry in ClinVar:

NM_152618.3(BBS12):c.73A>G (p.Thr25Ala)

Gene: BBS12 (Bardet-Biedl syndrome 12; plus strand). Cytogenetic location: 4q27.
Variant type: single nucleotide variant.
Coding change: c.73A>G on transcript NM_152618.3 (MANE Select); coding-DNA position 73, A replaced by G.
Protein change: p.Thr25Ala; replaces threonine 25 with alanine.
Molecular consequence: missense variant.
Genome position (GRCh38, 1-based): chr4:122,741,965, A>G. VCF-style: chr4-122741965-A-G. GRCh37 (hg19) VCF-style: chr4-123663120-A-G.
Other names: c.73A>G, p.Thr25Ala (NM_001178007.2); short protein forms T25A.
Identifiers: ClinVar variation 1385703 (VCV001385703.3), dbSNP rs2150735856, ClinGen allele CA358222131.

ClinVar aggregate classification (germline): Uncertain significance (1 of 4 stars; one submission).

Conditions:
Bardet-Biedl syndrome (BBS). Identifiers: Orphanet 110, MedGen C0752166, MONDO:0015229.

gnomAD v4.1: 2 of 1,613,568 alleles (0.00012%); highest among the groups gnomAD compares: Non-Finnish European, 0.00017%; no homozygotes.

Submission:

Labcorp Genetics (formerly Invitae), Labcorp
Classification: Uncertain significance for Bardet-Biedl syndrome. Last evaluated: 2021-12-13. Review status: criteria provided, single submitter. Criteria: Invitae Variant Classification Sherloc (09022015). Collection method: clinical testing. Allele origin: germline.
Comment: This sequence change replaces threonine, which is neutral and polar, with alanine, which is neutral and non-polar, at codon 25 of the BBS12 protein (p.Thr25Ala). This variant is not present in population databases (gnomAD no frequency). This variant has not been reported in the literature in individuals affected with BBS12-related conditions. Algorithms developed to predict the effect of missense changes on protein structure and function are either unavailable or do not agree on the potential impact of this missense change (SIFT: "Deleterious"; PolyPhen-2: "Benign"; Align-GVGD: "Class C0"). In summary, the available evidence is currently insufficient to determine the role of this variant in disease. Therefore, it has been classified as a Variant of Uncertain Significance.